The following is an entry in ClinVar:

ClinVar aggregate classification (germline): Likely benign. Review status: criteria provided, multiple submitters, no conflicts (2 of 4 stars). 4 submissions from 4 submitters: Likely benign (4). Last evaluated 2025-12-22.

Conditions:
TTN-related disorder. Also called: TTN-related disorders; TTN-related condition; TTN-related disease.
Autosomal recessive limb-girdle muscular dystrophy type 2J (LGMDR10). Also called: Limb-girdle muscular dystrophy, type 2J; MUSCULAR DYSTROPHY, LIMB-GIRDLE, AUTOSOMAL RECESSIVE 10. Identifiers: Orphanet 140922, MedGen C1837342, MONDO:0012127, OMIM 608807.
Dilated cardiomyopathy 1G (CMD1G). Identifiers: Orphanet 154, MedGen C1858763, MONDO:0011400, OMIM 604145.

Allele frequency attached by ClinVar (database versions not stated): gnomAD exomes below 0.00001 and 0.00003; TOPMed 0.00001.
gnomAD v4.1: 40 of 1,600,908 alleles (0.0025%); highest among the groups gnomAD compares: Non-Finnish European, 0.0034%; no homozygotes.

Submissions (4):

PreventionGenetics, part of Exact Sciences
Classification: Likely benign for TTN-related condition. Last evaluated: 2025-12-22. Review status: criteria provided, single submitter. Criteria: ACMG Guidelines, 2015. Collection method: clinical testing. Allele origin: germline.
Comment: This variant is classified as likely benign based on ACMG/AMP sequence variant interpretation guidelines (Richards et al. 2015 PMID: 25741868, with internal and published modifications).

Labcorp Genetics (formerly Invitae), Labcorp
Classification: Likely benign for Dilated cardiomyopathy 1G; Autosomal recessive limb-girdle muscular dystrophy type 2J. Last evaluated: 2025-07-14. Review status: criteria provided, single submitter. Criteria: Invitae Variant Classification Sherloc (09022015). Collection method: clinical testing. Allele origin: germline.

Laboratory of Genetics, Children's Clinical University Hospital Latvia
Classification: Likely benign. Last evaluated: 2025-02-16. Review status: criteria provided, single submitter. Criteria: ACMG Guidelines, 2015. Collection method: clinical testing. Allele origin: germline. Affected: yes.

GeneDx
Classification: Likely benign. Last evaluated: 2016-08-26. Review status: criteria provided, single submitter. Criteria: GeneDx Variant Classification (06012015). Collection method: clinical testing. Allele origin: germline. Affected: yes.
Comment: This variant is considered likely benign or benign based on one or more of the following criteria: it is a conservative change, it occurs at a poorly conserved position in the protein, it is predicted to be benign by multiple in silico algorithms, and/or has population frequency not consistent with disease.

NM_001267550.2(TTN):c.33276G>A (p.Glu11092=)

Gene: TTN (titin; minus strand). Cytogenetic location: 2q31.2.
Variant type: single nucleotide variant.
Coding change: c.33276G>A on transcript NM_001267550.2 (MANE Select); coding-DNA position 33276, G replaced by A.
Protein change: p.Glu11092=; no amino-acid change (glutamic acid 11092 retained).
Molecular consequence: synonymous variant. On other transcripts: intron variant (3).
Genome position (GRCh38, 1-based): chr2:178,681,143, C>T on the plus strand (G>A on the coding strand, the complement: TTN is on the minus strand). VCF-style: chr2-178681143-C-T. GRCh37 (hg19) VCF-style: chr2-179545870-C-T.
Other names: c.32325G>A, p.Glu10775= (NM_001256850.1); c.29544G>A, p.Glu9848= (NM_133378.4); c.13283-38826G>A (NM_003319.4); c.13859-38826G>A (NM_133437.4); c.13658-38826G>A (NM_133432.3).
Identifiers: ClinVar variation 388679 (VCV000388679.12), dbSNP rs1057523198, ClinGen allele CA16604022.